The following is an entry in ClinVar:

ClinVar aggregate classification (germline): Likely benign (0 of 4 stars; one submission).

Conditions:
CSNK1G3-related disorder. Also called: CSNK1G3-related condition.

Allele frequency attached by ClinVar (database versions not stated): 1000 Genomes Project 30x 0.00031; 1000 Genomes Project 0.00040; ExAC 0.00175; TOPMed 0.00187; gnomAD 0.00208; ESP Exome Variant Server 0.00315; gnomAD exomes 0.00326.
gnomAD v4.1: 4,993 of 1,612,840 alleles (0.31%); highest among the groups gnomAD compares: Non-Finnish European, 0.4%; 7 homozygotes.

Submission:

PreventionGenetics, part of Exact Sciences
Classification: Likely benign for CSNK1G3-related condition. Last evaluated: 2019-08-30. Review status: no assertion criteria provided. Collection method: clinical testing. Allele origin: germline.
Comment: This variant is classified as likely benign based on ACMG/AMP sequence variant interpretation guidelines (Richards et al. 2015 PMID: 25741868, with internal and published modifications).

NM_001364140.2(CSNK1G3):c.1179G>A (p.Ser393=)

Gene: CSNK1G3 (casein kinase 1 gamma 3; plus strand). Cytogenetic location: 5q23.2.
Variant type: single nucleotide variant.
Coding change: c.1179G>A on transcript NM_001364140.2 (MANE Select); coding-DNA position 1179, G replaced by A.
Protein change: p.Ser393=; no amino-acid change (serine 393 retained).
Molecular consequence: synonymous variant. On other transcripts: intron variant (13).
Genome position (GRCh38, 1-based): chr5:123,595,128, G>A. VCF-style: chr5-123595128-G-A. GRCh37 (hg19) VCF-style: chr5-122930822-G-A.
Other names: c.1176G>A, p.Ser392= (NM_001044723.3, NM_001437479.1, NM_004384.5); c.951G>A, p.Ser317= (NM_001364144.2); c.837G>A, p.Ser279= (NM_001364146.2); c.1179G>A, p.Ser393= (NM_001437477.1); c.1161+3714G>A (NM_001364141.2, NM_001437482.1); c.1164+3714G>A (NM_001437481.1); c.1089+3714G>A (NM_001270572.2, NM_001364143.2); c.1086+3714G>A (NM_001031812.4); and 4 more.
Identifiers: ClinVar variation 3050578 (VCV003050578.2), dbSNP rs141285750, ClinGen allele CA3387717.